The following is an entry in ClinVar:

ClinVar aggregate classification (germline): Benign (1 of 4 stars; one submission).

Submission:

GeneDx
Classification: Benign. Last evaluated: 2018-06-19. Review status: criteria provided, single submitter. Criteria: GeneDx Variant Classification (06012015). Collection method: clinical testing. Allele origin: germline. Affected: yes.
Comment: This variant is considered likely benign or benign based on one or more of the following criteria: it is a conservative change, it occurs at a poorly conserved position in the protein, it is predicted to be benign by multiple in silico algorithms, and/or has population frequency not consistent with disease.

NM_030662.4(MAP2K2):c.92+212_92+237del

Gene: MAP2K2 (mitogen-activated protein kinase kinase 2; minus strand). Cytogenetic location: 19p13.3.
Variant type: Microsatellite.
Coding change: c.92+212_92+237del on transcript NM_030662.4 (MANE Select); bases 212 to 237 of the intron after coding-DNA position 92, 26 bases deleted (GGGAGGACGGGGCAGGGGGCCCTCGG).
Molecular consequence: intron variant.
Genome position (GRCh38, 1-based): chr19:4,123,547-4,123,572, CCGAGGGCCCCCTGCCCCGTCCTCCC deleted on the plus strand (GGGAGGACGGGGCAGGGGGCCCTCGG on the coding strand, the reverse complement: MAP2K2 is on the minus strand); deleting any 26 consecutive bases within chr19:4,123,547-4,123,605 gives the same sequence; the c. name uses the placement nearest the transcript's 3' end. VCF-style (leftmost placement, unchanged base first): chr19-4123546-TCCGAGGGCCCCCTGCCCCGTCCTCCC-T. GRCh37 (hg19) VCF-style: chr19-4123543-TCCGAGGGCCCCCTGCCCCGTCCTCCC-T.
Other names: c.92+212_92+237delGGGAGGACGGGGCAGGGGGCCCTCGG (NM_030662.3).
Identifiers: ClinVar variation 561462 (VCV000561462.1), dbSNP rs757105280, ClinGen allele CA304449253.